The following is an entry in ClinVar:

NM_001846.4(COL4A2):c.3263G>A (p.Gly1088Asp)

Gene: COL4A2 (collagen type IV alpha 2 chain; plus strand). Cytogenetic location: 13q34.
Variant type: single nucleotide variant.
Coding change: c.3263G>A on transcript NM_001846.4 (MANE Select); coding-DNA position 3263, G replaced by A.
Protein change: p.Gly1088Asp; replaces glycine 1088 with aspartic acid.
Molecular consequence: missense variant.
Genome position (GRCh38, 1-based): chr13:110,489,500, G>A. VCF-style: chr13-110489500-G-A. GRCh37 (hg19) VCF-style: chr13-111141847-G-A.
Other names: short protein forms G1088D.
Identifiers: ClinVar variation 1335948 (VCV001335948.4), dbSNP rs2139533967, ClinGen allele CA388730763.

ClinVar aggregate classification (germline): Likely pathogenic (1 of 4 stars; one submission).

Submission:

Genetic Services Laboratory, University of Chicago
Classification: Likely pathogenic. Last evaluated: 2019-02-05. Review status: criteria provided, single submitter. Criteria: ACMG Guidelines, 2015. Collection method: clinical testing. Allele origin: germline. Affected: yes.
Comment: DNA sequence analysis of the COL4A2 gene demonstrated a de novo sequence change, c.3263G>A, in exon 35 that results in an amino acid change, p.Gly1088Asp. This sequence change does not appear to have been previously described in patients with COL4A2-related disorders and has also not been described as a known benign sequence change in the COL4A2 gene. The p.Gly1088Asp change affects a highly conserved amino acid residue located in a domain of the COL4A2 protein that is known to be functional. The p.Gly1088Asp substitution appears to be deleterious using several in-silico pathogenicity prediction tools (SIFT, PolyPhen2, Align GVGD, REVEL).